The following is an entry in ClinVar:

NM_006662.3(SRCAP):c.1008C>T (p.Leu336=)

Gene: SRCAP (Snf2 related CREBBP activator protein; plus strand). Cytogenetic location: 16p11.2.
Variant type: single nucleotide variant.
Coding change: c.1008C>T on transcript NM_006662.3 (MANE Select); coding-DNA position 1008, C replaced by T.
Protein change: p.Leu336=; no amino-acid change (leucine 336 retained).
Molecular consequence: synonymous variant.
Genome position (GRCh38, 1-based): chr16:30,710,002, C>T. VCF-style: chr16-30710002-C-T. GRCh37 (hg19) VCF-style: chr16-30721323-C-T.
Identifiers: ClinVar variation 1540491 (VCV001540491.31), dbSNP rs372295102, ClinGen allele CA8010802.

ClinVar aggregate classification (germline): Likely benign. Review status: criteria provided, multiple submitters, no conflicts (2 of 4 stars). 2 submissions from 2 submitters: Likely benign (2). Last evaluated 2025-11-01.

Allele frequency attached by ClinVar (database versions not stated): gnomAD 0.00002 and 0.00005; TOPMed 0.00003; gnomAD exomes 0.00005 and 0.00006; ExAC 0.00006; ESP Exome Variant Server 0.00008.
gnomAD v4.1: 79 of 1,614,178 alleles (0.0049%); highest among the groups gnomAD compares: Middle Eastern, 0.082%; no homozygotes.

Submissions (2):

Labcorp Genetics (formerly Invitae), Labcorp
Classification: Likely benign. Last evaluated: 2025-11-01. Review status: criteria provided, single submitter. Criteria: Invitae Variant Classification Sherloc (09022015). Collection method: clinical testing. Allele origin: germline.

CeGaT Center for Human Genetics Tuebingen
Classification: Likely benign. Last evaluated: 2023-10-01. Review status: criteria provided, single submitter. Criteria: CeGaT Center For Human Genetics Tuebingen Variant Classification Criteria Version 2. Collection method: clinical testing. Allele origin: germline. Affected: yes. Observed: 3 variant alleles.
Comment: SRCAP: BP4, BP7